The following is an entry in ClinVar:

NM_003235.5(TG):c.4317del (p.Cys1440fs)

Gene: TG (thyroglobulin; plus strand). Cytogenetic location: 8q24.22.
Variant type: Deletion.
Coding change: c.4317del on transcript NM_003235.5 (MANE Select); coding-DNA position 4317, one base deleted (G; older notation c.4317delG).
Protein change: p.Cys1440fs; shifts the reading frame from cysteine 1440.
Molecular consequence: frameshift variant.
Genome position (GRCh38, 1-based): chr8:132,913,204, G deleted; the last of 3 consecutive G bases (chr8:132,913,202-132,913,204); deleting any one gives the same sequence. VCF-style (leftmost placement, unchanged base first): chr8-132913201-TG-T. GRCh37 (hg19) VCF-style: chr8-133925446-TG-T.
Other names: short protein forms C1440fs.
Identifiers: ClinVar variation 2859424 (VCV002859424.3), dbSNP rs1195103622, ClinGen allele CA847711585.

ClinVar aggregate classification (germline): Pathogenic (1 of 4 stars; one submission).

Submission:

Labcorp Genetics (formerly Invitae), Labcorp
Classification: Pathogenic. Last evaluated: 2023-06-23. Review status: criteria provided, single submitter. Criteria: Invitae Variant Classification Sherloc (09022015). Collection method: clinical testing. Allele origin: germline.
Comment: This variant has not been reported in the literature in individuals affected with TG-related conditions. For these reasons, this variant has been classified as Pathogenic. This sequence change creates a premature translational stop signal (p.Cys1440Alafs*9) in the TG gene. It is expected to result in an absent or disrupted protein product. Loss-of-function variants in TG are known to be pathogenic (PMID: 19837936, 23164529). This variant is not present in population databases (gnomAD no frequency).

Literature cited by the submitters: PubMed 19837936; PubMed 23164529.